The following is an entry in ClinVar:

NM_015404.4(WHRN):c.1136G>A (p.Arg379Gln)

Gene: WHRN (whirlin; minus strand). Cytogenetic location: 9q32.
Variant type: single nucleotide variant.
Coding change: c.1136G>A on transcript NM_015404.4 (MANE Select); coding-DNA position 1136, G replaced by A.
Protein change: p.Arg379Gln; replaces arginine 379 with glutamine.
Molecular consequence: missense variant. On other transcripts: 5 prime UTR variant (1).
Genome position (GRCh38, 1-based): chr9:114,426,241, C>T on the plus strand (G>A on the coding strand, the complement: WHRN is on the minus strand). VCF-style: chr9-114426241-C-T. GRCh37 (hg19) VCF-style: chr9-117188521-C-T.
Other names: c.-14G>A (NM_001083885.3); c.1136G>A, p.Arg379Gln (NM_001173425.2); short protein forms R379Q.
Identifiers: ClinVar variation 1017244 (VCV001017244.7), dbSNP rs777759706, ClinGen allele CA5206074.

ClinVar aggregate classification (germline): Uncertain significance. Review status: criteria provided, multiple submitters, no conflicts (2 of 4 stars). 2 submissions from 2 submitters: Uncertain significance (2). Last evaluated 2022-07-19.

Allele frequency attached by ClinVar (database versions not stated): ExAC 0.00001; gnomAD exomes 0.00002.
gnomAD v4.1: 33 of 1,612,414 alleles (0.002%); highest among the groups gnomAD compares: Non-Finnish European, 0.0024%; no homozygotes.

Submissions (2):

Blueprint Genetics
Classification: Uncertain significance. Last evaluated: 2022-07-19. Review status: criteria provided, single submitter. Criteria: ACMG Guidelines, 2015. Collection method: clinical testing. Allele origin: germline.

Labcorp Genetics (formerly Invitae), Labcorp
Classification: Uncertain significance. Last evaluated: 2022-07-12. Review status: criteria provided, single submitter. Criteria: Invitae Variant Classification Sherloc (09022015). Collection method: clinical testing. Allele origin: germline.
Comment: In summary, the available evidence is currently insufficient to determine the role of this variant in disease. Therefore, it has been classified as a Variant of Uncertain Significance. Algorithms developed to predict the effect of missense changes on protein structure and function (SIFT, PolyPhen-2, Align-GVGD) all suggest that this variant is likely to be tolerated. ClinVar contains an entry for this variant (Variation ID: 1017244). This variant has not been reported in the literature in individuals affected with WHRN-related conditions. This variant is present in population databases (rs777759706, gnomAD 0.004%). This sequence change replaces arginine, which is basic and polar, with glutamine, which is neutral and polar, at codon 379 of the WHRN protein (p.Arg379Gln).